The following is an entry in ClinVar:

ClinVar aggregate classification (germline): Uncertain significance (1 of 4 stars; one submission).

Conditions:
Angioedema, hereditary, 7. Identifiers: MedGen C5543526, MONDO:0025713, OMIM 619366.

Submission:

3billion
Classification: Uncertain significance for Angioedema, hereditary, 7. Last evaluated: 2025-12-21. Review status: criteria provided, single submitter. Criteria: ACMG Guidelines, 2015. Collection method: clinical testing. Allele origin: germline. Affected: yes.
Comment: The variant is not observed in the gnomAD v4.1.0 dataset. Predicted Consequence/Location: Missense variant In silico tool predictions suggest damaging effect of the variant on gene or gene product [REVEL: 0.63 (>=0.6, sensitivity 0.68 and specificity 0.92)]. Different missense changes at the same codon have been reported as of uncertain significance (ClinVar ID: VCV003167635). Therefore, this variant is classified as VUS according to the recommendation of ACMG/AMP guideline.

NM_013451.4(MYOF):c.1594G>T (p.Ala532Ser)

Gene: MYOF (myoferlin; minus strand). Cytogenetic location: 10q23.33.
Variant type: single nucleotide variant.
Coding change: c.1594G>T on transcript NM_013451.4 (MANE Select); coding-DNA position 1594, G replaced by T.
Protein change: p.Ala532Ser; replaces alanine 532 with serine.
Molecular consequence: missense variant.
Genome position (GRCh38, 1-based): chr10:93,387,901, C>A on the plus strand (G>T on the coding strand, the complement: MYOF is on the minus strand). VCF-style: chr10-93387901-C-A. GRCh37 (hg19) VCF-style: chr10-95147658-C-A.
Other names: c.1555G>T, p.Ala519Ser (NM_133337.3); short protein forms A519S, A532S.
Identifiers: ClinVar variation 4855514 (VCV004855514.1).